The following is an entry in ClinVar:

ClinVar aggregate classification (germline): Likely benign (0 of 4 stars; one submission).

Conditions:
SDCCAG8-related disorder. Also called: SDCCAG8-Related Disorders; SDCCAG8-related condition.

gnomAD v4.1: 3 of 1,613,916 alleles (0.00019%); highest among the groups gnomAD compares: African/African-American, 0.004%; no homozygotes.

Submission:

PreventionGenetics, part of Exact Sciences
Classification: Likely benign for SDCCAG8-related condition. Last evaluated: 2024-09-02. Review status: no assertion criteria provided. Collection method: clinical testing. Allele origin: germline.
Comment: This variant is classified as likely benign based on ACMG/AMP sequence variant interpretation guidelines (Richards et al. 2015 PMID: 25741868, with internal and published modifications).

NM_006642.5(SDCCAG8):c.930-8G>A

Gene: SDCCAG8 (SHH signaling and ciliogenesis regulator SDCCAG8; plus strand). Cytogenetic location: 1q43.
Variant type: single nucleotide variant.
Coding change: c.930-8G>A on transcript NM_006642.5 (MANE Select); 8 bases into the intron before coding-DNA position 930, G replaced by A.
Molecular consequence: intron variant.
Genome position (GRCh38, 1-based): chr1:243,316,747, G>A. VCF-style: chr1-243316747-G-A. GRCh37 (hg19) VCF-style: chr1-243480049-G-A.
Other names: c.636-8G>A (NM_001350249.2); c.27-8G>A (NM_001350251.2, NM_001350246.2, NM_001350247.2); c.1026-8G>A (NM_001350248.2).
Identifiers: ClinVar variation 3355897 (VCV003355897.1).